The following is an entry in ClinVar:

NM_001278116.2(L1CAM):c.1759G>A (p.Gly587Ser)

Gene: L1CAM (L1 cell adhesion molecule; minus strand). Cytogenetic location: Xq28.
Variant type: single nucleotide variant.
Coding change: c.1759G>A on transcript NM_001278116.2 (MANE Select); coding-DNA position 1759, G replaced by A.
Protein change: p.Gly587Ser; replaces glycine 587 with serine.
Molecular consequence: missense variant.
Genome position (GRCh38, 1-based): chrX:153,868,067, C>T on the plus strand (G>A on the coding strand, the complement: L1CAM is on the minus strand). VCF-style: chrX-153868067-C-T. GRCh37 (hg19) VCF-style: chrX-153133522-C-T.
Other names: c.1759G>A, p.Gly587Ser (NM_000425.5, NM_024003.3); c.1744G>A, p.Gly582Ser (NM_001143963.2); short protein forms G582S, G587S.
Identifiers: ClinVar variation 3373085 (VCV003373085.1).

ClinVar aggregate classification (germline): Uncertain significance (1 of 4 stars; one submission).

gnomAD v4.1: 1 of 1,210,925 alleles (0.000083%); no homozygotes.

Submission:

GeneDx
Classification: Uncertain significance. Last evaluated: 2024-04-24. Review status: criteria provided, single submitter. Criteria: GeneDx Variant Classification Process June 2021. Collection method: clinical testing. Allele origin: germline. Affected: yes.
Comment: Not observed at significant frequency in large population cohorts (gnomAD); In silico analysis supports that this missense variant has a deleterious effect on protein structure/function; Has not been previously published as pathogenic or benign to our knowledge